The following is an entry in ClinVar:

ClinVar aggregate classification (germline): Benign. Review status: criteria provided, multiple submitters, no conflicts (2 of 4 stars). 2 submissions from 2 submitters: Benign (2). Last evaluated 2018-01-13.

Conditions:
Immunodeficiency 51 (IMD51). Also called: CANDIDIASIS, FAMILIAL, 5. Identifiers: Orphanet 1334, MedGen C4310803, MONDO:0013500, OMIM 613953.

Allele frequency attached by ClinVar (database versions not stated): gnomAD 0.00009 and 0.00109; TOPMed 0.00023; 1000 Genomes Project 30x 0.00765; 1000 Genomes Project 0.00819; gnomAD exomes 0.01020.

Submissions (2):

Illumina Laboratory Services, Illumina
Classification: Benign for Immunodeficiency 51. Last evaluated: 2018-01-13. Review status: criteria provided, single submitter. Criteria: ICSL Variant Classification Criteria 13 December 2019. Collection method: clinical testing. Allele origin: germline.
Comment: This variant was observed in the ICSL laboratory as part of a predisposition screen in an ostensibly healthy population. It had not been previously curated by ICSL or reported in the Human Gene Mutation Database (HGMD: prior to June 1st, 2018), and was therefore a candidate for classification through an automated scoring system. Utilizing variant allele frequency, disease prevalence and penetrance estimates, and inheritance mode, an automated score was calculated to assess if this variant is too frequent to cause the disease. Based on the score and internal cut-off values, a variant classified as benign is not then subjected to further curation. The score for this variant resulted in a classification of benign for this disease.

Breakthrough Genomics
Classification: Benign. Review status: criteria provided, single submitter. Criteria: ACMG Guidelines, 2015. Collection method: not provided. Allele origin: germline. Inheritance: Autosomal recessive inheritance. Affected: yes.

NM_014339.7(IL17RA):c.*3976G>A

Gene: IL17RA (interleukin 17 receptor A; plus strand). Cytogenetic location: 22q11.1.
Variant type: single nucleotide variant.
Coding change: c.*3976G>A on transcript NM_014339.7 (MANE Select); 3976 bases downstream of the stop codon, G replaced by A.
Molecular consequence: 3 prime UTR variant.
Genome position (GRCh38, 1-based): chr22:17,113,796, G>A. VCF-style: chr22-17113796-G-A. GRCh37 (hg19) VCF-style: chr22-17594686-G-A.
Other names: c.*3976G>A (NM_001289905.2).
Identifiers: ClinVar variation 340699 (VCV000340699.6), dbSNP rs576803215, ClinGen allele CA10653177.
Genomic context (GRCh38, chr22:17,113,796, plus strand): 5'-GCCTGCATCCCACAAGTCAACTGTGTCGGACAGAGGATCCTTACAAAGAAGAGGCAGCAG[G>A]GTTGGGGGCTGGCCAGCTGCTCGTCCGCCCTAGGTAGCTTGCTCATCTGTAAAGTGGGTG-3'